The following is an entry in ClinVar:

ClinVar aggregate classification (germline): Conflicting classifications of pathogenicity. Review status: criteria provided, conflicting classifications (1 of 4 stars). 3 submissions from 3 submitters: Uncertain significance (1); Likely benign (2). Last evaluated 2026-09-14.

Conditions:
Cholestanol storage disease (CTX). Also called: CEREBRAL CHOLESTERINOSIS; Cerebrotendinous Xanthomatosis; CTX: Cerebrotendinous xanthomatosis. Identifiers: Orphanet 909, MedGen C0238052, MONDO:0008948, OMIM 213700.
CYP27A1-related disorder. Also called: CYP27A1-related condition.

Allele frequency attached by ClinVar (database versions not stated): gnomAD exomes below 0.00001; TOPMed below 0.00001; gnomAD 0.00001.
gnomAD v4.1: 3 of 1,614,122 alleles (0.00019%); highest among the groups gnomAD compares: Non-Finnish European, 0.00025%; no homozygotes.

Submissions (3):

PreventionGenetics, part of Exact Sciences
Classification: Likely benign for CYP27A1-related condition. Last evaluated: 2026-09-14. Review status: criteria provided, single submitter. Criteria: ACMG Guidelines, 2015. Collection method: clinical testing. Allele origin: germline.
Comment: This variant is classified as likely benign based on ACMG/AMP sequence variant interpretation guidelines (Richards et al. 2015 PMID: 25741868, with internal and published modifications).

Labcorp Genetics (formerly Invitae), Labcorp
Classification: Likely benign for Cholestanol storage disease. Last evaluated: 2024-08-28. Review status: criteria provided, single submitter. Criteria: Invitae Variant Classification Sherloc (09022015). Collection method: clinical testing. Allele origin: germline.

Eurofins Ntd Llc (ga)
Classification: Uncertain significance. Last evaluated: 2016-08-26. Review status: criteria provided, single submitter. Criteria: EGL Classification Definitions 2015. Collection method: clinical testing. Allele origin: germline. Observed: 1 variant allele, 1 heterozygote.

NM_000784.4(CYP27A1):c.1311C>T (p.Ala437=)

Gene: CYP27A1 (cytochrome P450 family 27 subfamily A member 1; plus strand). Cytogenetic location: 2q35.
Variant type: single nucleotide variant.
Coding change: c.1311C>T on transcript NM_000784.4 (MANE Select); coding-DNA position 1311, C replaced by T.
Protein change: p.Ala437=; no amino-acid change (alanine 437 retained).
Molecular consequence: synonymous variant.
Genome position (GRCh38, 1-based): chr2:218,814,592, C>T. VCF-style: chr2-218814592-C-T. GRCh37 (hg19) VCF-style: chr2-219679315-C-T.
Identifiers: ClinVar variation 290907 (VCV000290907.16), dbSNP rs886044581, ClinGen allele CA10606938.